The following is an entry in ClinVar:

ClinVar aggregate classification (germline): Uncertain significance (1 of 4 stars; one submission).

Submission:

Greenwood Genetic Center Diagnostic Laboratories, Greenwood Genetic Center
Classification: Uncertain significance. Last evaluated: 2024-02-01. Review status: criteria provided, single submitter. Criteria: ACMG Guidelines, 2015. Collection method: clinical testing. Allele origin: germline. Affected: yes.
Comment: Gene of Uncertain Significance

NM_005941.5(MMP16):c.1099C>T (p.Arg367Ter)

Gene: MMP16 (matrix metallopeptidase 16; minus strand). Cytogenetic location: 8q21.3.
Variant type: single nucleotide variant.
Coding change: c.1099C>T on transcript NM_005941.5 (MANE Select); coding-DNA position 1099, C replaced by T.
Protein change: p.Arg367Ter; replaces arginine 367 with a stop codon.
Molecular consequence: nonsense.
Genome position (GRCh38, 1-based): chr8:88,074,728, G>A on the plus strand (C>T on the coding strand, the complement: MMP16 is on the minus strand). VCF-style: chr8-88074728-G-A. GRCh37 (hg19) VCF-style: chr8-89086956-G-A.
Other names: short protein forms R367*.
Identifiers: ClinVar variation 3235876 (VCV003235876.1), dbSNP rs1808616585, ClinGen allele CA371463960.